The following is an entry in ClinVar:

NM_004006.3(DMD):c.7096= (p.Lys2366=)

Gene: DMD (dystrophin; minus strand). Cytogenetic location: Xp21.1.
Variant type: single nucleotide variant.
Coding change: c.7096= on transcript NM_004006.3 (MANE Select); coding-DNA position 7096, no change from the reference sequence.
Protein change: p.Lys2366=; no amino-acid change (lysine 2366 retained).
Molecular consequence: no sequence alteration. On other transcripts: missense variant (2).
Genome position: GRCh38 VCF-style: chrX-31875190-T-T. GRCh37 (hg19) VCF-style: chrX-31893307-T-T.
Other names: p.Q2366K:CAG>AAG; c.7072=, p.Lys2358= (NM_000109.4); c.7084C>A, p.Gln2362Lys (NM_004009.3); c.6727C>A, p.Gln2243Lys (NM_004010.3); c.3073=, p.Lys1025= (NM_004011.4); c.3064=, p.Lys1022= (NM_004012.4); c.-285= (NM_004013.3, NM_004020.4, NM_004021.3 and 2 more transcripts); short protein forms Q2366K, Q2362K, Q2243K.
Identifiers: ClinVar variation 137105 (VCV000137105.16), dbSNP rs1800275.

ClinVar aggregate classification (germline): Benign. Review status: criteria provided, multiple submitters, no conflicts (2 of 4 stars). 5 submissions from 5 submitters: Benign (5). Last evaluated 2026-02-04.

Conditions:
Becker muscular dystrophy (BMD). Also called: Becker Muscular Dystrophy (BMD); MUSCULAR DYSTROPHY, PSEUDOHYPERTROPHIC PROGRESSIVE, BECKER TYPE. Identifiers: Orphanet 98895, MedGen C0917713, MONDO:0010311, OMIM 300376.
Duchenne muscular dystrophy (DMD). Also called: Duchenne Muscular Dystrophy (DMD); MUSCULAR DYSTROPHY, PSEUDOHYPERTROPHIC PROGRESSIVE, DUCHENNE TYPE. Identifiers: Orphanet 98896, MedGen C0013264, MONDO:0010679, OMIM 310200.

Allele frequency attached by ClinVar (database versions not stated): ExAC 0.72194; gnomAD exomes 0.76641 and 0.78010; TOPMed 0.76924; gnomAD 0.78847 and 0.79111; ESP Exome Variant Server 0.79536; 1000 Genomes Project 30x 0.80937; 1000 Genomes Project 0.81669.

Submissions (5):

Labcorp Genetics (formerly Invitae), Labcorp
Classification: Benign for Duchenne muscular dystrophy. Last evaluated: 2026-02-04. Review status: criteria provided, single submitter. Criteria: Invitae Variant Classification Sherloc (09022015). Collection method: clinical testing. Allele origin: germline.

Athena Diagnostics
Classification: Benign. Last evaluated: 2021-04-22. Review status: criteria provided, single submitter. Criteria: Athena Diagnostics Criteria. Collection method: clinical testing. Allele origin: unknown.

Women's Health and Genetics/Laboratory Corporation of America, LabCorp
Classification: Benign. Last evaluated: 2018-07-20. Review status: criteria provided, single submitter. Criteria: LabCorp Variant Classification Summary - May 2015. Collection method: clinical testing. Allele origin: germline.

Soonchunhyang University Bucheon Hospital, Soonchunhyang University Medical Center
Classification: Benign for Becker muscular dystrophy. Last evaluated: 2016-03-18. Review status: criteria provided, single submitter. Criteria: ACMG Guidelines, 2015. Collection method: reference population. Allele origin: germline. Observed: 3 variant alleles.

GeneDx
Classification: Benign. Last evaluated: 2014-01-08. Review status: criteria provided, single submitter. Criteria: GeneDx Variant Classification (06012015). Collection method: clinical testing. Allele origin: germline. Affected: yes.
Comment: This variant is considered likely benign or benign based on one or more of the following criteria: it is a conservative change, it occurs at a poorly conserved position in the protein, it is predicted to be benign by multiple in silico algorithms, and/or has population frequency not consistent with disease.

Literature cited by the submitters: PubMed 19367636 (cited by Soonchunhyang University Bucheon Hospital, Soonchunhyang University Medical Center).